The following is an entry in ClinVar:

ClinVar aggregate classification (germline): Conflicting classifications of pathogenicity. Review status: criteria provided, conflicting classifications (1 of 4 stars). 2 submissions from 2 submitters: Uncertain significance (1); Likely benign (1). Last evaluated 2025-04-30.

Conditions:
Hereditary cancer-predisposing syndrome. Also called: Neoplastic Syndromes, Hereditary; Tumor predisposition; Hereditary Cancer Syndrome; Hereditary neoplastic syndrome. Identifiers: Orphanet 140162, MedGen C0027672, MeSH D009386, MONDO:0015356.

Allele frequency attached by ClinVar (database versions not stated): gnomAD 0.00001.
gnomAD v4.1: 1 of 1,600,988 alleles (0.000062%); highest among the groups gnomAD compares: Non-Finnish European, 0.000085%; no homozygotes.

Submissions (2):

Ambry Genetics
Classification: Likely benign for Hereditary cancer-predisposing syndrome. Last evaluated: 2025-04-30. Review status: criteria provided, single submitter. Criteria: Ambry Variant Classification Scheme 2023. Collection method: clinical testing. Allele origin: germline.

Labcorp Genetics (formerly Invitae), Labcorp
Classification: Uncertain significance. Last evaluated: 2025-02-07. Review status: criteria provided, single submitter. Criteria: Invitae Variant Classification Sherloc (09022015). Collection method: clinical testing. Allele origin: germline.
Comment: This sequence change replaces serine, which is neutral and polar, with phenylalanine, which is neutral and non-polar, at codon 2174 of the POLE protein (p.Ser2174Phe). This variant is not present in population databases (gnomAD no frequency). This variant has not been reported in the literature in individuals affected with POLE-related conditions. ClinVar contains an entry for this variant (Variation ID: 473805). Invitae Evidence Modeling of protein sequence and biophysical properties (such as structural, functional, and spatial information, amino acid conservation, physicochemical variation, residue mobility, and thermodynamic stability) indicates that this missense variant is not expected to disrupt POLE protein function with a negative predictive value of 80%. In summary, the available evidence is currently insufficient to determine the role of this variant in disease. Therefore, it has been classified as a Variant of Uncertain Significance.

NM_006231.4(POLE):c.6521C>T (p.Ser2174Phe)

Gene: POLE (DNA polymerase epsilon, catalytic subunit; minus strand). Cytogenetic location: 12q24.33.
Variant type: single nucleotide variant.
Coding change: c.6521C>T on transcript NM_006231.4 (MANE Select); coding-DNA position 6521, C replaced by T.
Protein change: p.Ser2174Phe; replaces serine 2174 with phenylalanine.
Molecular consequence: missense variant.
Genome position (GRCh38, 1-based): chr12:132,626,127, G>A on the plus strand (C>T on the coding strand, the complement: POLE is on the minus strand). VCF-style: chr12-132626127-G-A. GRCh37 (hg19) VCF-style: chr12-133202713-G-A.
Other names: c.6521C>T (NM_006231.2); short protein forms S2174F.
Identifiers: ClinVar variation 473805 (VCV000473805.7), dbSNP rs1555301177, ClinGen allele CA387367114.